The following is an entry in ClinVar:

NM_005842.4(SPRY2):c.59A>C (p.Asp20Ala)

Gene: SPRY2 (sprouty RTK signaling antagonist 2; minus strand). Cytogenetic location: 13q31.1.
Variant type: single nucleotide variant.
Coding change: c.59A>C on transcript NM_005842.4 (MANE Select); coding-DNA position 59, A replaced by C.
Protein change: p.Asp20Ala; replaces aspartic acid 20 with alanine.
Molecular consequence: missense variant.
Genome position (GRCh38, 1-based): chr13:80,337,647, T>G on the plus strand (A>C on the coding strand, the complement: SPRY2 is on the minus strand). VCF-style: chr13-80337647-T-G. GRCh37 (hg19) VCF-style: chr13-80911782-T-G.
Other names: c.59A>C, p.Asp20Ala (NM_001318536.1, NM_001318537.1, NM_001318538.1); short protein forms D20A.
Identifiers: ClinVar variation 3777772 (VCV003777772.7).

ClinVar aggregate classification (germline): Benign (1 of 4 stars; one submission).

gnomAD v4.1: 6,188 of 1,613,844 alleles (0.38%); highest among the groups gnomAD compares: South Asian, 1.2%; 26 homozygotes.

Submission:

CeGaT Center for Human Genetics Tuebingen
Classification: Benign. Last evaluated: 2025-03-01. Review status: criteria provided, single submitter. Criteria: CeGaT Center For Human Genetics Tuebingen Variant Classification Criteria Version 2. Collection method: clinical testing. Allele origin: germline. Affected: yes. Observed: 1 variant allele.
Comment: SPRY2: BP4, BS1, BS2